The following is an entry in ClinVar:

ClinVar aggregate classification (germline): Uncertain significance (1 of 4 stars; one submission).

gnomAD v4.1: 4 of 1,576,286 alleles (0.00025%); highest among the groups gnomAD compares: Non-Finnish European, 0.00034%; no homozygotes.

Submission:

GeneDx
Classification: Uncertain significance. Last evaluated: 2024-08-09. Review status: criteria provided, single submitter. Criteria: GeneDx Variant Classification Process June 2021. Collection method: clinical testing. Allele origin: germline. Affected: yes.
Comment: Not observed at significant frequency in large population cohorts (gnomAD); In silico analysis supports that this missense variant has a deleterious effect on protein structure/function; Has not been previously published as pathogenic or benign to our knowledge

NM_014727.3(KMT2B):c.6517C>T (p.Arg2173Trp)

Gene: KMT2B (lysine methyltransferase 2B; plus strand). Cytogenetic location: 19q13.12.
Variant type: single nucleotide variant.
Coding change: c.6517C>T on transcript NM_014727.3 (MANE Select); coding-DNA position 6517, C replaced by T.
Protein change: p.Arg2173Trp; replaces arginine 2173 with tryptophan.
Molecular consequence: missense variant.
Genome position (GRCh38, 1-based): chr19:35,733,066, C>T. VCF-style: chr19-35733066-C-T. GRCh37 (hg19) VCF-style: chr19-36223967-C-T.
Other names: short protein forms R2173W.
Identifiers: ClinVar variation 3602898 (VCV003602898.1).
Genomic context (GRCh38, chr19:35,733,066, plus strand): 5'-ACCGCCAGCCCAGCTGACCCCACCCGCACATTTGCCTGGCTCCCAGGGGCCCCAGGGGTC[C>T]GGGTGTTAAGCCTTGGCCCTGCCCCTGAGCCCCCCAAACCCGCCACATCCAAAATCATAC-3'
Protein context (NP_055542.1, residues 2163-2183): FAWLPGAPGV[Arg2173Trp]VLSLGPAPEP